The following is an entry in ClinVar:

ClinVar aggregate classification (germline): Uncertain significance (1 of 4 stars; one submission).

Conditions:
Jeune thoracic dystrophy. Also called: Jeune syndrome; Infantile thoracic dystrophy; Thoracic pelvic phalangeal dystrophy; Jeune's syndrome; Chondroectodermal dysplasia-like syndrome; Short-rib thoracic dysplasia. Identifiers: Orphanet 474, MedGen C0265275, MONDO:0018770.
Nephronophthisis. Also called: Juvenile Nephronophthisis. Identifiers: Orphanet 655, MedGen C0687120, MONDO:0019005, HP:0000090.

Submission:

Labcorp Genetics (formerly Invitae), Labcorp
Classification: Uncertain significance for Jeune thoracic dystrophy; Nephronophthisis. Last evaluated: 2022-05-06. Review status: criteria provided, single submitter. Criteria: Invitae Variant Classification Sherloc (09022015). Collection method: clinical testing. Allele origin: germline.
Comment: In summary, the available evidence is currently insufficient to determine the role of this variant in disease. Therefore, it has been classified as a Variant of Uncertain Significance. Algorithms developed to predict the effect of missense changes on protein structure and function (SIFT, PolyPhen-2, Align-GVGD) all suggest that this variant is likely to be tolerated. This variant has not been reported in the literature in individuals affected with TTC21B-related conditions. This variant is not present in population databases (gnomAD no frequency). This sequence change replaces cysteine, which is neutral and slightly polar, with phenylalanine, which is neutral and non-polar, at codon 999 of the TTC21B protein (p.Cys999Phe).

NM_024753.5(TTC21B):c.2996G>T (p.Cys999Phe)

Gene: TTC21B (tetratricopeptide repeat domain 21B; minus strand). Cytogenetic location: 2q24.3.
Variant type: single nucleotide variant.
Coding change: c.2996G>T on transcript NM_024753.5 (MANE Select); coding-DNA position 2996, G replaced by T.
Protein change: p.Cys999Phe; replaces cysteine 999 with phenylalanine.
Molecular consequence: missense variant.
Genome position (GRCh38, 1-based): chr2:165,890,943, C>A on the plus strand (G>T on the coding strand, the complement: TTC21B is on the minus strand). VCF-style: chr2-165890943-C-A. GRCh37 (hg19) VCF-style: chr2-166747453-C-A.
Other names: short protein forms C999F.
Identifiers: ClinVar variation 2134845 (VCV002134845.4), dbSNP rs2468123294, ClinGen allele CA349048432.